The following is an entry in ClinVar:

ClinVar aggregate classification (germline): Uncertain significance (1 of 4 stars; one submission).

Submission:

GeneDx
Classification: Uncertain significance. Last evaluated: 2023-05-11. Review status: criteria provided, single submitter. Criteria: GeneDx Variant Classification Process June 2021. Collection method: clinical testing. Allele origin: germline. Affected: yes.
Comment: Not observed at significant frequency in large population cohorts (gnomAD); In silico analysis supports that this missense variant does not alter protein structure/function; Has not been previously published as pathogenic or benign to our knowledge

NM_138615.3(DHX30):c.1672G>A (p.Val558Met)

Gene: DHX30 (DExH-box helicase 30; plus strand). Cytogenetic location: 3p21.31.
Variant type: single nucleotide variant.
Coding change: c.1672G>A on transcript NM_138615.3 (MANE Select); coding-DNA position 1672, G replaced by A.
Protein change: p.Val558Met; replaces valine 558 with methionine.
Molecular consequence: missense variant.
Genome position (GRCh38, 1-based): chr3:47,846,744, G>A. VCF-style: chr3-47846744-G-A. GRCh37 (hg19) VCF-style: chr3-47888234-G-A.
Other names: c.1588G>A, p.Val530Met (NM_001330990.2); c.1555G>A, p.Val519Met (NM_014966.4); short protein forms V519M, V530M, V558M.
Identifiers: ClinVar variation 3343215 (VCV003343215.1).
Genomic context (GRCh38, chr3:47,846,744, plus strand): 5'-GGTATCCTGCTGCGTAAGCTGCAGAGCAACCCCAGCCTGGAGGGCGTGAGCCACGTCATC[G>A]TGGATGAGGTGCATGAGCGGGACGTGAACACAGACTTTCTGCTGATCCTGCTCAAGGGCC-3'
Protein context (NP_619520.1, residues 548-568): PSLEGVSHVI[Val558Met]DEVHERDVNT